The following is an entry in ClinVar:

NM_001174089.2(SLC4A11):c.2575C>T (p.Arg859Ter)

Gene: SLC4A11 (solute carrier family 4 member 11; minus strand). Cytogenetic location: 20p13.
Variant type: single nucleotide variant.
Coding change: c.2575C>T on transcript NM_001174089.2 (MANE Select); coding-DNA position 2575, C replaced by T.
Protein change: p.Arg859Ter; replaces arginine 859 with a stop codon.
Molecular consequence: nonsense. On other transcripts: non-coding transcript variant (3).
Genome position (GRCh38, 1-based): chr20:3,227,840, G>A on the plus strand (C>T on the coding strand, the complement: SLC4A11 is on the minus strand). VCF-style: chr20-3227840-G-A. GRCh37 (hg19) VCF-style: chr20-3208486-G-A.
Other names: c.2704C>T, p.Arg902Ter (NM_001174090.2); c.2461C>T, p.Arg821Ter (NM_001363745.2); c.2518C>T, p.Arg840Ter (NM_001400277.1, NM_001400278.1, NM_001400279.1); c.2590C>T, p.Arg864Ter (NM_001400280.1); c.2623C>T, p.Arg875Ter (NM_032034.4); c.2623C>T (NM_032034.3); short protein forms R821*, R902*, R859*, R840*, R864*, R875*.
Identifiers: ClinVar variation 2736934 (VCV002736934.4), dbSNP rs201771042, ClinGen allele CA9741408.

ClinVar aggregate classification (germline): Likely pathogenic. Review status: criteria provided, multiple submitters, no conflicts (2 of 4 stars). 2 submissions from 2 submitters: Likely pathogenic (2). Last evaluated 2025-02-12.

Conditions:
SLC4A11-related disorder. Also called: SLC4A11-related condition.

Allele frequency attached by ClinVar (database versions not stated): ExAC 0.00001; gnomAD 0.00001; 1000 Genomes Project 30x 0.00016; 1000 Genomes Project 0.00020; gnomAD exomes below 0.00001; TOPMed below 0.00001.
gnomAD v4.1: 3 of 1,613,012 alleles (0.00019%); highest among the groups gnomAD compares: South Asian, 0.0022%; no homozygotes.

Submissions (2):

PreventionGenetics, part of Exact Sciences
Classification: Likely pathogenic for SLC4A11-related condition. Last evaluated: 2025-02-12. Review status: criteria provided, single submitter. Criteria: ACMG Guidelines, 2015. Collection method: clinical testing. Allele origin: germline.
Comment: The SLC4A11 c.2623C>T variant is predicted to result in premature protein termination (p.Arg875*). This variant has been reported in at least two individuals with autosomal recessive congenital hereditary endothelial dystrophy (Sultana et al. 2007. PubMed ID: 17679935; Weiss. 2008 et al. PubMed ID: 19337156). This variant is reported in 0.0033% of alleles in individuals of South Asian descent in gnomAD. Nonsense variants in SLC4A11 are expected to be pathogenic. This variant is interpreted as likely pathogenic.

Labcorp Genetics (formerly Invitae), Labcorp
Classification: Likely pathogenic. Last evaluated: 2023-07-17. Review status: criteria provided, single submitter. Criteria: Invitae Variant Classification Sherloc (09022015). Collection method: clinical testing. Allele origin: germline.
Comment: In summary, the currently available evidence indicates that the variant is pathogenic, but additional data are needed to prove that conclusively. Therefore, this variant has been classified as Likely Pathogenic. This premature translational stop signal has been observed in individual(s) with congenital hereditary endothelial dystrophy (PMID: 17679935, 31420327). In at least one individual the data is consistent with being in trans (on the opposite chromosome) from a pathogenic variant. This variant is present in population databases (rs201771042, gnomAD 0.003%). This sequence change creates a premature translational stop signal (p.Arg875*) in the SLC4A11 gene. While this is not anticipated to result in nonsense mediated decay, it is expected to disrupt the last 17 amino acid(s) of the SLC4A11 protein.

Literature cited by the submitters: PubMed 17679935 (cited by Labcorp Genetics (formerly Invitae), Labcorp); PubMed 31420327 (cited by Labcorp Genetics (formerly Invitae), Labcorp).